The following is an entry in ClinVar:

NM_000238.4(KCNH2):c.2901G>A (p.Pro967=)

Gene: KCNH2 (potassium voltage-gated channel subfamily H member 2; minus strand). Cytogenetic location: 7q36.1.
Variant type: single nucleotide variant.
Coding change: c.2901G>A on transcript NM_000238.4 (MANE Select); coding-DNA position 2901, G replaced by A.
Protein change: p.Pro967=; no amino-acid change (proline 967 retained).
Molecular consequence: synonymous variant.
Genome position (GRCh38, 1-based): chr7:150,947,670, C>T on the plus strand (G>A on the coding strand, the complement: KCNH2 is on the minus strand). VCF-style: chr7-150947670-C-T. GRCh37 (hg19) VCF-style: chr7-150644758-C-T.
Other names: c.1881G>A, p.Pro627= (NM_172057.3); c.2901G>A (NM_000238.2).
Identifiers: ClinVar variation 527037 (VCV000527037.22), dbSNP rs780481239, ClinGen allele CA035360.

ClinVar aggregate classification (germline): Likely benign. Review status: criteria provided, multiple submitters, no conflicts (2 of 4 stars). 7 submissions from 7 submitters: Likely benign (7). Last evaluated 2025-12-10.

Conditions:
Cardiovascular phenotype. Identifiers: MedGen CN230736.
Long QT syndrome 2 (LQT2). Identifiers: Orphanet 101016, Orphanet 768, MedGen C3150943, MONDO:0013367, OMIM 613688.
Short QT syndrome type 1. Identifiers: Orphanet 51083, MedGen C1865020, MONDO:0012312, OMIM 609620.
Cardiac arrhythmia. Also called: Cardiac rhythm disease; Arrhythmia. Identifiers: MedGen C0003811, MONDO:0007263, HP:0011675.
Long QT syndrome (LQTS). Identifiers: MedGen C0023976, MeSH D008133, MONDO:0002442. Disease mechanism: loss of function. Inheritance: Various modes of inheritance.

Allele frequency attached by ClinVar (database versions not stated): TOPMed 0.00003; gnomAD 0.00004.
gnomAD v4.1: 60 of 1,606,846 alleles (0.0037%); highest among the groups gnomAD compares: Admixed American, 0.0067%; no homozygotes.

Submissions (7):

Labcorp Genetics (formerly Invitae), Labcorp
Classification: Likely benign for Long QT syndrome. Last evaluated: 2025-12-10. Review status: criteria provided, single submitter. Criteria: Invitae Variant Classification Sherloc (09022015). Collection method: clinical testing. Allele origin: germline.

Blueprint Genetics
Classification: Likely benign. Last evaluated: 2024-08-23. Review status: criteria provided, single submitter. Criteria: ACMG Guidelines, 2015. Collection method: clinical testing. Allele origin: germline.

All of Us Research Program, National Institutes of Health
Classification: Likely benign for Long QT syndrome. Last evaluated: 2023-12-18. Review status: criteria provided, single submitter. Criteria: ACMG Guidelines, 2015. Collection method: clinical testing. Allele origin: germline. Inheritance: Autosomal dominant inheritance. Observed: 8 variant alleles, 8 heterozygotes.
Comment: This study involves interpretation of variants in research participants for the purpose of population health screening. Participant phenotype was not available at the time of variant classification. Additional details can be found in publication PMID: 35346344, PMCID: PMC8962531

Ambry Genetics
Classification: Likely benign for Cardiovascular phenotype. Last evaluated: 2021-09-10. Review status: criteria provided, single submitter. Criteria: Ambry Variant Classification Scheme 2023. Collection method: clinical testing. Allele origin: germline.

Fulgent Genetics
Classification: Likely benign for Short QT syndrome type 1; Long QT syndrome 2. Last evaluated: 2021-09-03. Review status: criteria provided, single submitter. Criteria: ACMG Guidelines, 2015. Collection method: clinical testing. Allele origin: unknown.

GeneDx
Classification: Likely benign. Last evaluated: 2020-07-08. Review status: criteria provided, single submitter. Criteria: GeneDx Variant Classification Process June 2021. Collection method: clinical testing. Allele origin: germline. Affected: yes.

Color Diagnostics, LLC DBA Color Health
Classification: Likely benign for Arrhythmia. Last evaluated: 2018-11-25. Review status: criteria provided, single submitter. Criteria: ACMG Guidelines, 2015. Collection method: clinical testing. Allele origin: germline.